The following is an entry in ClinVar:

ClinVar aggregate classification (germline): Uncertain significance (1 of 4 stars; one submission).

Conditions:
EGFR-related lung cancer (EGFR). Identifiers: MedGen CN130014.

Submission:

Labcorp Genetics (formerly Invitae), Labcorp
Classification: Uncertain significance for EGFR-related lung cancer. Last evaluated: 2025-10-29. Review status: criteria provided, single submitter. Criteria: Invitae Variant Classification Sherloc (09022015). Collection method: clinical testing. Allele origin: germline.
Comment: This sequence change replaces asparagine, which is neutral and polar, with lysine, which is basic and polar, at codon 271 of the EGFR protein (p.Asn271Lys). This variant is not present in population databases (gnomAD no frequency). This variant has not been reported in the literature in individuals affected with EGFR-related conditions. ClinVar contains an entry for this variant (Variation ID: 1721273). Invitae Evidence Modeling of protein sequence and biophysical properties (such as structural, functional, and spatial information, amino acid conservation, physicochemical variation, residue mobility, and thermodynamic stability) has been performed for this missense variant. However, the output from this modeling did not meet the statistical confidence thresholds required to predict the impact of this variant on EGFR protein function. In summary, the available evidence is currently insufficient to determine the role of this variant in disease. Therefore, it has been classified as a Variant of Uncertain Significance.

NM_005228.5(EGFR):c.813C>A (p.Asn271Lys)

Gene: EGFR (epidermal growth factor receptor; plus strand). Cytogenetic location: 7p11.2.
Variant type: single nucleotide variant.
Coding change: c.813C>A on transcript NM_005228.5 (MANE Select); coding-DNA position 813, C replaced by A.
Protein change: p.Asn271Lys; replaces asparagine 271 with lysine.
Molecular consequence: missense variant. On other transcripts: intron variant (1).
Genome position (GRCh38, 1-based): chr7:55,154,076, C>A. VCF-style: chr7-55154076-C-A. GRCh37 (hg19) VCF-style: chr7-55221769-C-A.
Other names: c.678C>A, p.Asn226Lys (NM_001346897.2, NM_001346899.2); c.813C>A, p.Asn271Lys (NM_001346898.2, NM_201282.2, NM_201283.2 and 1 more transcripts); c.654C>A, p.Asn218Lys (NM_001346900.2); c.89-1754C>A (NM_001346941.2); short protein forms N218K, N226K, N271K.
Identifiers: ClinVar variation 1721273 (VCV001721273.5), dbSNP rs2128934996, ClinGen allele CA367577727.